The following is an entry in ClinVar:

ClinVar aggregate classification (germline): Uncertain significance (1 of 4 stars; one submission).

Conditions:
Hereditary cancer-predisposing syndrome. Also called: Tumor predisposition; Neoplastic Syndromes, Hereditary; Hereditary Cancer Syndrome; Hereditary neoplastic syndrome. Identifiers: Orphanet 140162, MedGen C0027672, MeSH D009386, MONDO:0015356.

Submission:

Ambry Genetics
Classification: Uncertain significance for Hereditary cancer-predisposing syndrome. Last evaluated: 2025-02-20. Review status: criteria provided, single submitter. Criteria: Ambry Variant Classification Scheme 2023. Collection method: clinical testing. Allele origin: germline.
Comment: The c.778_780delTCCinsCCG variant (also known as p.S260P), located in coding exon 7 of the PMS2 gene, results from an in-frame deletion of TCC and insertion of CCG at nucleotide positions 778 to 780. This results in the substitution of the serine residue for a proline residue at codon 260, an amino acid with similar properties. This amino acid position is not well conserved in available vertebrate species. In addition, this alteration is predicted to be tolerated by in silico analysis. Based on the available evidence, the clinical significance of this variant remains unclear.

NM_000535.7(PMS2):c.778_780delinsCCG (p.Ser260Pro)

Gene: PMS2 (PMS1 homolog 2, mismatch repair system component; minus strand). Cytogenetic location: 7p22.1.
Variant type: Indel.
Coding change: c.778_780delinsCCG on transcript NM_000535.7 (MANE Select); coding-DNA positions 778 to 780, TCC replaced by CCG.
Protein change: p.Ser260Pro; replaces serine 260 with proline.
Molecular consequence: missense variant. On other transcripts: 5 prime UTR variant (2), non-coding transcript variant (1), intron variant (3).
Genome position (GRCh38, 1-based): chr7:5,997,349-5,997,351, GGA replaced by CGG on the plus strand (TCC replaced by CCG on the coding strand, the reverse complement: PMS2 is on the minus strand). VCF-style: chr7-5997349-GGA-CGG. GRCh37 (hg19) VCF-style: chr7-6036980-GGA-CGG.
Other names: c.373_375delinsCCG, p.Ser125Pro (NM_001322003.2, NM_001322004.2, NM_001322005.2 and 19 more transcripts); c.778_780delinsCCG, p.Ser260Pro (NM_001322006.2, NM_001322014.2, NM_001406870.1 and 3 more transcripts); c.460_462delinsCCG, p.Ser154Pro (NM_001322007.2, NM_001322008.2, NM_001406876.1 and 4 more transcripts); c.-156_-154delinsCCG (NM_001322011.2, NM_001322012.2); c.205_207delinsCCG, p.Ser69Pro (NM_001322013.2, NM_001406909.1); c.469_471delinsCCG, p.Ser157Pro (NM_001322015.2, NM_001406875.1, NM_001406877.1 and 6 more transcripts); c.964_966delinsCCG, p.Ser322Pro (NM_001406866.1); c.802_804delinsCCG, p.Ser268Pro (NM_001406868.1); and 7 more; short protein forms S154P, S89P, S125P, S268P, S148P, S204P, S224P, S322P.
Identifiers: ClinVar variation 3890991 (VCV003890991.1).
Genomic context (GRCh38, chr7:5,997,349, plus strand): 5'-TGTTCAATTGTAGTTCTCTTGCCAGCAATCTACTTACTAAAAAAGATTATGCAGAGCATC[GGA>CGG]ACAGCTCAAACCGTACTCTTCACACACGGAGTCACTAGGGGGCAGCTGAACAAAAGGAAT-3'
Protein context (NP_000526.2, residues 250-270): SVCEEYGLSC[Ser260Pro]DALHNLFYIS